The following is an entry in ClinVar:

ClinVar aggregate classification (germline): Uncertain significance (1 of 4 stars; one submission).

Conditions:
RFX3-related disorder. Also called: RFX3-related condition.

gnomAD v4.1: 1 of 1,614,006 alleles (0.000062%); highest among the groups gnomAD compares: East Asian, 0.0022%; no homozygotes.

Submission:

PreventionGenetics, part of Exact Sciences
Classification: Uncertain significance for RFX3-related condition. Last evaluated: 2025-12-14. Review status: criteria provided, single submitter. Criteria: ACMG Guidelines, 2015. Collection method: clinical testing. Allele origin: germline.
Comment: The RFX3 c.401C>A variant is predicted to result in the amino acid substitution p.Thr134Asn. To our knowledge, this variant has not been reported in the literature or in a large population database (gnomAD), indicating this variant is rare. At this time, the clinical significance of this variant is uncertain due to the absence of conclusive functional and genetic evidence.

NM_001282116.2(RFX3):c.401C>A (p.Thr134Asn)

Gene: RFX3 (regulatory factor X3; minus strand). Cytogenetic location: 9p24.2.
Variant type: single nucleotide variant.
Coding change: c.401C>A on transcript NM_001282116.2 (MANE Select); coding-DNA position 401, C replaced by A.
Protein change: p.Thr134Asn; replaces threonine 134 with asparagine.
Molecular consequence: missense variant.
Genome position (GRCh38, 1-based): chr9:3,330,332, G>T on the plus strand (C>A on the coding strand, the complement: RFX3 is on the minus strand). VCF-style: chr9-3330332-G-T. GRCh37 (hg19) VCF-style: chr9-3330332-G-T.
Other names: c.401C>A, p.Thr134Asn (NM_001282117.2, NM_001377999.1, NM_002919.4 and 1 more transcripts); short protein forms T134N.
Identifiers: ClinVar variation 4989506 (VCV004989506.1).
Genomic context (GRCh38, chr9:3,330,332, plus strand): 5'-GCCCGAGTTGTGTGTGTCACTGAGTGACCAGAATTCTCCATTGAGTTGCCGATCAGATAG[G>T]TTCCTCCAGAGCTGCTGATGAGTTGTCCTCCTGTGACGCCCATCTGAATCCCACCAGTGC-3'
Protein context (NP_001269045.1, residues 124-144): GGQLISSSGG[Thr134Asn]YLIGNSMENS